The following is an entry in ClinVar:

ClinVar aggregate classification (germline): Pathogenic (1 of 4 stars; one submission).

Conditions:
Developmental and epileptic encephalopathy, 34 (DEE34). Also called: Early infantile epileptic encephalopathy 34; SLC12A5-Related Epilepsy of Infancy with Migrating Focal Seizures. Identifiers: Orphanet 293181, MedGen C4225257, MONDO:0014718, OMIM 616645.

Submission:

Labcorp Genetics (formerly Invitae), Labcorp
Classification: Pathogenic for Developmental and epileptic encephalopathy, 34. Last evaluated: 2024-08-18. Review status: criteria provided, single submitter. Criteria: Invitae Variant Classification Sherloc (09022015). Collection method: clinical testing. Allele origin: germline.
Comment: This sequence change creates a premature translational stop signal (p.Gln721*) in the SLC12A5 gene. It is expected to result in an absent or disrupted protein product. Loss-of-function variants in SLC12A5 are known to be pathogenic (PMID: 26333769, 27436767). This variant is not present in population databases (gnomAD no frequency). This variant has not been reported in the literature in individuals affected with SLC12A5-related conditions. For these reasons, this variant has been classified as Pathogenic.

Literature cited by the submitters: PubMed 26333769; PubMed 27436767.

NM_020708.5(SLC12A5):c.2161C>T (p.Gln721Ter)

Gene: SLC12A5 (solute carrier family 12 member 5; plus strand). Cytogenetic location: 20q13.12.
Variant type: single nucleotide variant.
Coding change: c.2161C>T on transcript NM_020708.5 (MANE Select); coding-DNA position 2161, C replaced by T.
Protein change: p.Gln721Ter; replaces glutamine 721 with a stop codon.
Molecular consequence: nonsense.
Genome position (GRCh38, 1-based): chr20:46,049,770, C>T. VCF-style: chr20-46049770-C-T. GRCh37 (hg19) VCF-style: chr20-44678409-C-T.
Other names: c.2230C>T, p.Gln744Ter (NM_001134771.2); short protein forms Q744*, Q721*.
Identifiers: ClinVar variation 3652634 (VCV003652634.2).